The following is an entry in ClinVar:

ClinVar aggregate classification (germline): Benign/Likely benign. Review status: criteria provided, multiple submitters, no conflicts (2 of 4 stars). 8 submissions from 8 submitters: Benign (4); Likely benign (3). 1 of the submissions does not count toward it. Last evaluated 2026-09-01.

Conditions:
Inborn genetic diseases. Identifiers: MedGen C0950123, MeSH D030342.
ANKRD11-related disorder. Also called: ANKRD11-related condition.
KBG syndrome (KBGS). Also called: ANKRD11-Related KBG Syndrome. Identifiers: Orphanet 2332, MedGen C0220687, MONDO:0007846, OMIM 148050.

Allele frequency attached by ClinVar (database versions not stated): gnomAD exomes 0.00055; 1000 Genomes Project 30x 0.00078; 1000 Genomes Project 0.00080; ExAC 0.00123; gnomAD 0.00145 and 0.00154; TOPMed 0.00170.
gnomAD v4.1: 491 of 1,538,216 alleles (0.032%); highest among the groups gnomAD compares: African/African-American, 0.48%; 2 homozygotes.

Submissions (8):

CeGaT Center for Human Genetics Tuebingen
Classification: Likely benign. Last evaluated: 2026-09-01. Review status: criteria provided, single submitter. Criteria: CeGaT Center For Human Genetics Tuebingen Variant Classification Criteria Version 2. Collection method: clinical testing. Allele origin: germline. Affected: yes. Observed: 4 variant alleles.
Comment: ANKRD11: BP4, BS1

Labcorp Genetics (formerly Invitae), Labcorp
Classification: Benign for KBG syndrome. Last evaluated: 2026-01-01. Review status: criteria provided, single submitter. Criteria: Invitae Variant Classification Sherloc (09022015). Collection method: clinical testing. Allele origin: germline.

Blueprint Genetics
Classification: Likely benign. Last evaluated: 2024-10-02. Review status: criteria provided, single submitter. Criteria: ACMG Guidelines, 2015. Collection method: clinical testing. Allele origin: germline.

Genome-Nilou Lab
Classification: Benign for KBG syndrome. Last evaluated: 2021-12-05. Review status: criteria provided, single submitter. Criteria: ACMG Guidelines, 2015. Collection method: clinical testing. Allele origin: germline. Affected: no.

Ambry Genetics
Classification: Likely benign for Inborn genetic diseases. Last evaluated: 2021-07-26. Review status: criteria provided, single submitter. Criteria: Ambry Variant Classification Scheme 2023. Collection method: clinical testing. Allele origin: germline.

GeneDx
Classification: Benign. Last evaluated: 2020-05-11. Review status: criteria provided, single submitter. Criteria: GeneDx Variant Classification Process June 2021. Collection method: clinical testing. Allele origin: germline. Affected: yes.

Athena Diagnostics
Classification: Benign. Last evaluated: 2018-02-22. Review status: criteria provided, single submitter. Criteria: Athena Diagnostics Criteria. Collection method: clinical testing. Allele origin: germline.

PreventionGenetics, part of Exact Sciences
Classification: Benign for ANKRD11-related condition. Last evaluated: 2020-01-13. Review status: no assertion criteria provided. Collection method: clinical testing. Allele origin: germline. Not counted in ClinVar's aggregate classification.
Comment: This variant is classified as benign based on ACMG/AMP sequence variant interpretation guidelines (Richards et al. 2015 PMID: 25741868, with internal and published modifications).

NM_013275.6(ANKRD11):c.6746G>A (p.Arg2249His)

Gene: ANKRD11 (ankyrin repeat domain 11; minus strand). Cytogenetic location: 16q24.3.
Variant type: single nucleotide variant.
Coding change: c.6746G>A on transcript NM_013275.6 (MANE Select); coding-DNA position 6746, G replaced by A.
Protein change: p.Arg2249His; replaces arginine 2249 with histidine.
Molecular consequence: missense variant.
Genome position (GRCh38, 1-based): chr16:89,279,796, C>T on the plus strand (G>A on the coding strand, the complement: ANKRD11 is on the minus strand). VCF-style: chr16-89279796-C-T. GRCh37 (hg19) VCF-style: chr16-89346204-C-T.
Other names: c.6746G>A, p.Arg2249His (NM_001256182.2, NM_001256183.2); short protein forms R2249H.
Identifiers: ClinVar variation 585424 (VCV000585424.80), dbSNP rs201043388, ClinGen allele CA8241347.